The following is an entry in ClinVar:

ClinVar aggregate classification (germline): Uncertain significance (1 of 4 stars; one submission).

Allele frequency attached by ClinVar (database versions not stated): gnomAD exomes 0.00001; TOPMed 0.00001; ExAC 0.00007.
gnomAD v4.1: 6 of 1,413,454 alleles (0.00042%); no homozygotes.

Submission:

Labcorp Genetics (formerly Invitae), Labcorp
Classification: Uncertain significance. Last evaluated: 2022-03-14. Review status: criteria provided, single submitter. Criteria: Invitae Variant Classification Sherloc (09022015). Collection method: clinical testing. Allele origin: germline.
Comment: The frequency data for this variant in the population databases is considered unreliable, as metrics indicate poor data quality at this position in the gnomAD database. This sequence change replaces serine, which is neutral and polar, with leucine, which is neutral and non-polar, at codon 33 of the MNX1 protein (p.Ser33Leu). This variant has not been reported in the literature in individuals affected with MNX1-related conditions. In summary, the available evidence is currently insufficient to determine the role of this variant in disease. Therefore, it has been classified as a Variant of Uncertain Significance. Algorithms developed to predict the effect of missense changes on protein structure and function are either unavailable or do not agree on the potential impact of this missense change (SIFT: "Deleterious"; PolyPhen-2: "Not Available"; Align-GVGD: "Class C0").

NM_005515.4(MNX1):c.98C>T (p.Ser33Leu)

Gene: MNX1 (motor neuron and pancreas homeobox 1; minus strand). Cytogenetic location: 7q36.3.
Variant type: single nucleotide variant.
Coding change: c.98C>T on transcript NM_005515.4 (MANE Select); coding-DNA position 98, C replaced by T.
Protein change: p.Ser33Leu; replaces serine 33 with leucine.
Molecular consequence: missense variant.
Genome position (GRCh38, 1-based): chr7:157,010,253, G>A on the plus strand (C>T on the coding strand, the complement: MNX1 is on the minus strand). VCF-style: chr7-157010253-G-A. GRCh37 (hg19) VCF-style: chr7-156802947-G-A.
Other names: short protein forms S33L.
Identifiers: ClinVar variation 2111627 (VCV002111627.4), dbSNP rs761015081, ClinGen allele CA4589299.